The following is an entry in ClinVar:

NM_000540.3(RYR1):c.7052A>G (p.Asn2351Ser)

Gene: RYR1 (ryanodine receptor 1; plus strand). Cytogenetic location: 19q13.2.
Variant type: single nucleotide variant.
Coding change: c.7052A>G on transcript NM_000540.3 (MANE Select); coding-DNA position 7052, A replaced by G.
Protein change: p.Asn2351Ser; replaces asparagine 2351 with serine.
Molecular consequence: missense variant.
Genome position (GRCh38, 1-based): chr19:38,499,659, A>G. VCF-style: chr19-38499659-A-G. GRCh37 (hg19) VCF-style: chr19-38990299-A-G.
Other names: c.7052A>G, p.Asn2351Ser (NM_001042723.2); short protein forms N2351S.
Identifiers: ClinVar variation 2150605 (VCV002150605.6), dbSNP rs779349184, ClinGen allele CA069078.
Genomic context (GRCh38, chr19:38,499,659, plus strand): 5'-GCTCATGAGACCCCCTTTCCCCATGCGGGTGGCCAGGCGAGAGCGTGGAGGAGAACGCCA[A>G]TGTGGTGGTGCGGCTGCTCATCCGGAAGCCTGAGTGCTTCGGACCCGCCCTGCGGGGTGA-3'
Protein context (NP_000531.2, residues 2341-2361): VNGESVEENA[Asn2351Ser]VVVRLLIRKP

ClinVar aggregate classification (germline): Uncertain significance. Review status: criteria provided, multiple submitters, no conflicts (2 of 4 stars). 4 submissions from 4 submitters: Uncertain significance (4). Last evaluated 2025-07-14.

Conditions:
Malignant hyperthermia, susceptibility to, 1 (MHS1). Also called: Anesthesia related hyperthermia; Malignant hyperpyrexia; Fulminating hyperpyrexia; Pharmacogenic myopathy; RYR1-Related Malignant Hyperthermia Susceptibility; Malignant hyperthermia suceptibility 1. Identifiers: Orphanet 423, MedGen C2930980, MONDO:0007783, OMIM 145600.
RYR1-related disorder. Also called: RYR1-related disorders; RYR1-related condition. Identifiers: MedGen CN239331.

Allele frequency attached by ClinVar (database versions not stated): TOPMed below 0.00001; ExAC 0.00003; gnomAD exomes 0.00003.
gnomAD v4.1: 39 of 1,598,988 alleles (0.0024%); highest among the groups gnomAD compares: East Asian, 0.013%; no homozygotes.

Submissions (4):

Color Diagnostics, LLC DBA Color Health
Classification: Uncertain significance for Malignant hyperthermia, susceptibility to, 1. Last evaluated: 2025-07-14. Review status: criteria provided, single submitter. Criteria: ACMG Guidelines, 2015. Collection method: clinical testing. Allele origin: germline.
Comment: This missense variant replaces asparagine with serine at codon 2351 of the RYR1 protein. Computational prediction suggests that this variant may not impact protein structure and function. To our knowledge, functional studies have not been reported for this variant. This variant has not been reported in individuals affected with RYR1-related disorders in the literature. This variant has been identified in 5/239550 chromosomes in the general population by the Genome Aggregation Database (gnomAD). The available evidence is insufficient to determine the role of this variant in disease conclusively. Therefore, this variant is classified as a Variant of Uncertain Significance.

All of Us Research Program, National Institutes of Health
Classification: Uncertain significance for Malignant hyperthermia, susceptibility to, 1. Last evaluated: 2023-05-16. Review status: criteria provided, single submitter. Criteria: ACMG Guidelines, 2015. Collection method: clinical testing. Allele origin: germline. Inheritance: Autosomal dominant inheritance. Observed: 1 variant allele, 1 heterozygote.
Comment: This missense variant replaces asparagine with serine at codon 2351 of the RYR1 protein. Computational prediction suggests that this variant may not impact protein structure and function (internally defined REVEL score threshold <= 0.5, PMID: 27666373). To our knowledge, functional studies have not been reported for this variant. This variant has not been reported in individuals affected with RYR1-related disorders in the literature. This variant has been identified in 5/239550 chromosomes in the general population by the Genome Aggregation Database (gnomAD). The available evidence is insufficient to determine the role of this variant in disease conclusively. Therefore, this variant is classified as a Variant of Uncertain Significance.

This study involves interpretation of variants in research participants for the purpose of population health screening. Participant phenotype was not available at the time of variant classification. Additional details can be found in publication PMID: 35346344, PMCID: PMC8962531

Labcorp Genetics (formerly Invitae), Labcorp
Classification: Uncertain significance for RYR1-related disorder. Last evaluated: 2022-07-03. Review status: criteria provided, single submitter. Criteria: Invitae Variant Classification Sherloc (09022015). Collection method: clinical testing. Allele origin: germline.
Comment: This sequence change replaces asparagine, which is neutral and polar, with serine, which is neutral and polar, at codon 2351 of the RYR1 protein (p.Asn2351Ser). This variant is present in population databases (rs779349184, gnomAD 0.01%). This variant has not been reported in the literature in individuals affected with RYR1-related conditions. Advanced modeling of protein sequence and biophysical properties (such as structural, functional, and spatial information, amino acid conservation, physicochemical variation, residue mobility, and thermodynamic stability) performed at Invitae indicates that this missense variant is not expected to disrupt RYR1 protein function. In summary, the available evidence is currently insufficient to determine the role of this variant in disease. Therefore, it has been classified as a Variant of Uncertain Significance.

Revvity Omics, Revvity
Classification: Uncertain significance. Last evaluated: 2021-09-14. Review status: criteria provided, single submitter. Criteria: ACMG Guidelines, 2015. Collection method: clinical testing. Allele origin: germline.